The following is an entry in ClinVar:

ClinVar aggregate classification (germline): Likely benign. Review status: criteria provided, single submitter (1 of 4 stars). 2 submissions from 2 submitters: Likely benign (1). 1 of the submissions does not count toward it. Last evaluated 2023-07-09.

Conditions:
Spastic paraplegia. Identifiers: MedGen C0037772, HP:0001258.
RTN2-related disorder. Also called: RTN2-related condition.

Allele frequency attached by ClinVar (database versions not stated): gnomAD 0.00001.

Submissions (2):

Labcorp Genetics (formerly Invitae), Labcorp
Classification: Likely benign for Spastic paraplegia. Last evaluated: 2023-07-09. Review status: criteria provided, single submitter. Criteria: Invitae Variant Classification Sherloc (09022015). Collection method: clinical testing. Allele origin: germline.

PreventionGenetics, part of Exact Sciences
Classification: Likely benign for RTN2-related condition. Last evaluated: 2022-11-09. Review status: no assertion criteria provided. Collection method: clinical testing. Allele origin: germline. Not counted in ClinVar's aggregate classification.
Comment: This variant is classified as likely benign based on ACMG/AMP sequence variant interpretation guidelines (Richards et al. 2015 PMID: 25741868, with internal and published modifications).

NM_005619.5(RTN2):c.1497+7G>T

Genes: OPA3-RTN2 (OPA3-RTN2 readthrough; minus strand), RTN2 (reticulon 2; minus strand). Cytogenetic location: 19q13.32.
Variant type: single nucleotide variant.
Coding change: c.1497+7G>T on transcript NM_005619.5 (MANE Select); 7 bases into the intron after coding-DNA position 1497, G replaced by T.
Molecular consequence: intron variant.
Genome position (GRCh38, 1-based): chr19:45,488,464, C>A on the plus strand (G>T on the coding strand, the complement: RTN2 is on the minus strand). VCF-style: chr19-45488464-C-A. GRCh37 (hg19) VCF-style: chr19-45991722-C-A.
Other names: c.1278+7G>T (NM_206900.3); c.477+7G>T (NM_206901.3).
Identifiers: ClinVar variation 704505 (VCV000704505.8), dbSNP rs372988926, ClinGen allele CA9515943.